The following is an entry in ClinVar:

ClinVar aggregate classification (germline): Uncertain significance (1 of 4 stars; one submission).

Allele frequency attached by ClinVar (database versions not stated): gnomAD 0.00001; gnomAD exomes 0.00001; TOPMed 0.00001.
gnomAD v4.1: 12 of 1,612,686 alleles (0.00074%); highest among the groups gnomAD compares: Non-Finnish European, 0.001%; no homozygotes.

Submission:

GeneDx
Classification: Uncertain significance. Last evaluated: 2023-03-27. Review status: criteria provided, single submitter. Criteria: GeneDx Variant Classification Process June 2021. Collection method: clinical testing. Allele origin: germline. Affected: yes.
Comment: Not observed at significant frequency in large population cohorts (gnomAD); In silico analysis supports that this variant does not alter splicing; Has not been previously published as pathogenic or benign to our knowledge

NM_000899.5(KITLG):c.63T>A (p.Pro21=)

Gene: KITLG (KIT ligand; minus strand). Cytogenetic location: 12q21.32.
Variant type: single nucleotide variant.
Coding change: c.63T>A on transcript NM_000899.5 (MANE Select); coding-DNA position 63, T replaced by A.
Protein change: p.Pro21=; no amino-acid change (proline 21 retained).
Molecular consequence: synonymous variant.
Genome position (GRCh38, 1-based): chr12:88,545,818, A>T on the plus strand (T>A on the coding strand, the complement: KITLG is on the minus strand). VCF-style: chr12-88545818-A-T. GRCh37 (hg19) VCF-style: chr12-88939595-A-T.
Other names: c.63T>A, p.Pro21= (NM_003994.6).
Identifiers: ClinVar variation 2582079 (VCV002582079.1), dbSNP rs1460022386, ClinGen allele CA481136721.